The following is an entry in ClinVar:

NM_007194.4(CHEK2):c.1096-2A>C

Gene: CHEK2 (checkpoint kinase 2; minus strand). Cytogenetic location: 22q12.1.
Variant type: single nucleotide variant.
Coding change: c.1096-2A>C on transcript NM_007194.4 (MANE Select); the canonical splice acceptor site of the intron before coding-DNA position 1096, A replaced by C.
Molecular consequence: splice acceptor variant.
Genome position (GRCh38, 1-based): chr22:28,695,875, T>G on the plus strand (A>C on the coding strand, the complement: CHEK2 is on the minus strand). VCF-style: chr22-28695875-T-G. GRCh37 (hg19) VCF-style: chr22-29091863-T-G.
Other names: c.433-2A>C (NM_001437942.1, NM_001257387.3); c.895-2A>C (NM_001349956.3); c.1009-2A>C (NM_145862.3); c.1102-2A>C (NM_001438295.1); c.1189-2A>C (NM_001438293.1); c.1138-2A>C (NM_001438294.1); c.1225-2A>C (NM_001005735.3).
Identifiers: ClinVar variation 2713869 (VCV002713869.3), dbSNP rs2145807398, ClinGen allele CA411097250.

ClinVar aggregate classification (germline): Likely pathogenic (1 of 4 stars; one submission).

Conditions:
Familial cancer of breast. Also called: hereditary breast carcinoma; Hereditary breast cancer; BREAST CANCER, FAMILIAL. Identifiers: Orphanet 227535, MedGen C0346153, MONDO:0016419, OMIM 114480. Disease mechanism: loss of function.

Submission:

Labcorp Genetics (formerly Invitae), Labcorp
Classification: Likely pathogenic for Familial cancer of breast. Last evaluated: 2024-01-30. Review status: criteria provided, single submitter. Criteria: Invitae Variant Classification Sherloc (09022015). Collection method: clinical testing. Allele origin: germline.
Comment: This sequence change affects an acceptor splice site in intron 10 of the CHEK2 gene. It is expected to disrupt RNA splicing. Variants that disrupt the donor or acceptor splice site typically lead to a loss of protein function (PMID: 16199547), and loss-of-function variants in CHEK2 are known to be pathogenic (PMID: 21876083, 24713400). This variant is not present in population databases (gnomAD no frequency). This variant has not been reported in the literature in individuals affected with CHEK2-related conditions. Algorithms developed to predict the effect of sequence changes on RNA splicing suggest that this variant may disrupt the consensus splice site. In summary, the currently available evidence indicates that the variant is pathogenic, but additional data are needed to prove that conclusively. Therefore, this variant has been classified as Likely Pathogenic.

Literature cited by the submitters: PubMed 16199547; PubMed 21876083; PubMed 24713400.